The following is an entry in ClinVar:

ClinVar aggregate classification (germline): Uncertain significance (1 of 4 stars; one submission).

Allele frequency attached by ClinVar (database versions not stated): gnomAD exomes below 0.00001; TOPMed below 0.00001.
gnomAD v4.1: 4 of 1,614,042 alleles (0.00025%); highest among the groups gnomAD compares: Admixed American, 0.005%; no homozygotes.

Submission:

Labcorp Genetics (formerly Invitae), Labcorp
Classification: Uncertain significance. Last evaluated: 2022-06-28. Review status: criteria provided, single submitter. Criteria: Invitae Variant Classification Sherloc (09022015). Collection method: clinical testing. Allele origin: germline.
Comment: In summary, the available evidence is currently insufficient to determine the role of this variant in disease. Therefore, it has been classified as a Variant of Uncertain Significance. Algorithms developed to predict the effect of missense changes on protein structure and function (SIFT, PolyPhen-2, Align-GVGD) all suggest that this variant is likely to be tolerated. This variant has not been reported in the literature in individuals affected with NDUFS2-related conditions. This variant is not present in population databases (gnomAD no frequency). This sequence change replaces lysine, which is basic and polar, with asparagine, which is neutral and polar, at codon 56 of the NDUFS2 protein (p.Lys56Asn).

NM_001377299.1(NDUFS2):c.168A>C (p.Lys56Asn)

Gene: NDUFS2 (NADH:ubiquinone oxidoreductase core subunit S2; plus strand). Cytogenetic location: 1q23.3.
Variant type: single nucleotide variant.
Coding change: c.168A>C on transcript NM_001377299.1 (MANE Select); coding-DNA position 168, A replaced by C.
Protein change: p.Lys56Asn; replaces lysine 56 with asparagine.
Molecular consequence: missense variant. On other transcripts: non-coding transcript variant (1).
Genome position (GRCh38, 1-based): chr1:161,203,509, A>C. VCF-style: chr1-161203509-A-C. GRCh37 (hg19) VCF-style: chr1-161173299-A-C.
Other names: c.168A>C, p.Lys56Asn (NM_001166159.2, NM_001377298.1, NM_001377300.1 and 4 more transcripts); short protein forms K56N.
Identifiers: ClinVar variation 2167412 (VCV002167412.2), dbSNP rs1665278562, ClinGen allele CA343377019.